The following is an entry in ClinVar:

ClinVar aggregate classification (germline): Likely benign. Review status: criteria provided, single submitter (1 of 4 stars). 2 submissions from 2 submitters: Likely benign (1). 1 of the submissions does not count toward it. Last evaluated 2021-09-15.

Conditions:
Inborn genetic diseases. Identifiers: MedGen C0950123, MeSH D030342.
EP300-related disorder. Also called: EP300-related condition; EP300-related disorders.

Allele frequency attached by ClinVar (database versions not stated): TOPMed below 0.00001; gnomAD 0.00002; ExAC 0.00005; gnomAD exomes 0.00005.
gnomAD v4.1: 81 of 1,613,962 alleles (0.005%); highest among the groups gnomAD compares: South Asian, 0.054%; no homozygotes.

Submissions (2):

Ambry Genetics
Classification: Likely benign for Inborn genetic diseases. Last evaluated: 2021-09-15. Review status: criteria provided, single submitter. Criteria: Ambry Variant Classification Scheme 2023. Collection method: clinical testing. Allele origin: germline.

PreventionGenetics, part of Exact Sciences
Classification: Likely benign for EP300-related condition. Last evaluated: 2024-06-10. Review status: no assertion criteria provided. Collection method: clinical testing. Allele origin: germline. Not counted in ClinVar's aggregate classification.
Comment: This variant is classified as likely benign based on ACMG/AMP sequence variant interpretation guidelines (Richards et al. 2015 PMID: 25741868, with internal and published modifications).

NM_001429.4(EP300):c.5603C>T (p.Thr1868Met)

Gene: EP300 (E1A binding protein p300; plus strand). Cytogenetic location: 22q13.2.
Variant type: single nucleotide variant.
Coding change: c.5603C>T on transcript NM_001429.4 (MANE Select); coding-DNA position 5603, C replaced by T.
Protein change: p.Thr1868Met; replaces threonine 1868 with methionine.
Molecular consequence: missense variant.
Genome position (GRCh38, 1-based): chr22:41,177,314, C>T. VCF-style: chr22-41177314-C-T. GRCh37 (hg19) VCF-style: chr22-41573318-C-T.
Other names: c.5525C>T, p.Thr1842Met (NM_001362843.2); short protein forms T1868M, T1842M.
Identifiers: ClinVar variation 2389788 (VCV002389788.3), dbSNP rs781609478, ClinGen allele CA10253665.
Genomic context (GRCh38, chr22:41,177,314, plus strand): 5'-CTTCCCCCACTCCTGCCACTCCAACGACACCAACTGGCCAACAGCCAACCACCCCGCAGA[C>T]GCCCCAGCCCACTTCTCAGCCTCAGCCTACCCCTCCCAATAGCATGCCACCCTACTTGCC-3'
Protein context (NP_001420.2, residues 1858-1878): PTGQQPTTPQ[Thr1868Met]PQPTSQPQPT